The following is an entry in ClinVar:

NM_000548.5(TSC2):c.2097+7G>A

Gene: TSC2 (TSC complex subunit 2; plus strand). Cytogenetic location: 16p13.3.
Variant type: single nucleotide variant.
Coding change: c.2097+7G>A on transcript NM_000548.5 (MANE Select); 7 bases into the intron after coding-DNA position 2097, G replaced by A.
Molecular consequence: intron variant.
Genome position (GRCh38, 1-based): chr16:2,071,941, G>A. VCF-style: chr16-2071941-G-A. GRCh37 (hg19) VCF-style: chr16-2121942-G-A.
Other names: c.2097+7G>A (NM_001114382.3, NM_021055.3, NM_001370405.1 and 3 more transcripts); c.1986+7G>A (NM_001318827.2); c.1497+7G>A (NM_001318831.2); c.1950+7G>A (NM_001318829.2); c.2130+7G>A (NM_001318832.2).
Identifiers: ClinVar variation 1142327 (VCV001142327.10), dbSNP rs1280828990, ClinGen allele CA620704843.
Genomic context (GRCh38, chr16:2,071,941, plus strand): 5'-GGGTCCGTGCCCTACTCCCTGCTCTTCCGCGTCCTGCTGCAGTGCTTGAAGCAGGTGAGT[G>A]GGGCCGGGCAGGGACCATCCGTCCCACGTTGGGCCAGGAGGACAGGGAGCTGCCACCTGC-3'

ClinVar aggregate classification (germline): Likely benign. Review status: criteria provided, multiple submitters, no conflicts (2 of 4 stars). 2 submissions from 2 submitters: Likely benign (2). Last evaluated 2025-05-19.

Conditions:
Tuberous sclerosis 2 (TSC2). Identifiers: Orphanet 805, MedGen C1860707, MONDO:0013199, OMIM 613254.

Allele frequency attached by ClinVar (database versions not stated): TOPMed below 0.00001; gnomAD 0.00001.
gnomAD v4.1: 2 of 1,569,274 alleles (0.00013%); highest among the groups gnomAD compares: African/African-American, 0.0013%; no homozygotes.

Submissions (2):

Myriad Genetics, Inc.
Classification: Likely benign for Tuberous sclerosis 2. Last evaluated: 2025-05-19. Review status: criteria provided, single submitter. Criteria: Myriad Autosomal Dominant, Autosomal Recessive and X-Linked Classification Criteria (2023). Collection method: clinical testing. Allele origin: unknown.
Comment: This variant is considered likely benign. This variant is intronic and is not expected to impact mRNA splicing.

Labcorp Genetics (formerly Invitae), Labcorp
Classification: Likely benign for Tuberous sclerosis 2. Last evaluated: 2024-06-11. Review status: criteria provided, single submitter. Criteria: Invitae Variant Classification Sherloc (09022015). Collection method: clinical testing. Allele origin: germline.